The following is an entry in ClinVar:

ClinVar aggregate classification (germline): Likely benign. Review status: criteria provided, multiple submitters, no conflicts (2 of 4 stars). 2 submissions from 2 submitters: Likely benign (2). Last evaluated 2026-06-29.

Conditions:
Cardiovascular phenotype. Identifiers: MedGen CN230736.

gnomAD v4.1: 2 of 1,607,562 alleles (0.00012%); highest among the groups gnomAD compares: African/African-American, 0.0013%; no homozygotes.

Submissions (2):

Women's Health and Genetics/Laboratory Corporation of America, LabCorp
Classification: Likely benign. Last evaluated: 2026-06-29. Review status: criteria provided, single submitter. Criteria: LabCorp Variant Classification Summary - May 2015. Collection method: clinical testing. Allele origin: germline.
Comment: Variant summary: TNXB c.4668G>A results in a synonymous change. Consensus agreement among computation tools predict no significant impact on normal splicing. However, these predictions have yet to be confirmed by functional studies. The variant allele was found at a frequency of 8.2e-06 in 243484 control chromosomes. The available data on variant occurrences in the general population are insufficient to allow any conclusion about variant significance. To our knowledge, no occurrence of c.4668G>A in individuals affected with TNXB-related conditions and no experimental evidence demonstrating its impact on protein function have been reported. ClinVar contains an entry for this variant (Variation ID: 4188721). Based on the evidence outlined above, the variant was classified as likely benign.

Ambry Genetics
Classification: Likely benign for Cardiovascular phenotype. Last evaluated: 2025-08-28. Review status: criteria provided, single submitter. Criteria: Ambry Variant Classification Scheme 2023. Collection method: clinical testing. Allele origin: germline.

NM_001365276.2(TNXB):c.4668G>A (p.Val1556=)

Gene: TNXB (tenascin XB; minus strand). Cytogenetic location: 6p21.33.
Variant type: single nucleotide variant.
Coding change: c.4668G>A on transcript NM_001365276.2 (MANE Select); coding-DNA position 4668, G replaced by A.
Protein change: p.Val1556=; no amino-acid change (valine 1556 retained).
Molecular consequence: synonymous variant.
Genome position (GRCh38, 1-based): chr6:32,073,660, C>T on the plus strand (G>A on the coding strand, the complement: TNXB is on the minus strand). VCF-style: chr6-32073660-C-T. GRCh37 (hg19) VCF-style: chr6-32041437-C-T.
Other names: c.5409G>A, p.Val1803= (NM_001428335.1); c.4668G>A, p.Val1556= (NM_019105.8).
Identifiers: ClinVar variation 4188721 (VCV004188721.2).